The following is an entry in ClinVar:

NM_130811.4(SNAP25):c.463G>A (p.Gly155Ser)

Gene: SNAP25 (synaptosome associated protein 25; plus strand). Cytogenetic location: 20p12.2.
Variant type: single nucleotide variant.
Coding change: c.463G>A on transcript NM_130811.4 (MANE Select); coding-DNA position 463, G replaced by A.
Protein change: p.Gly155Ser; replaces glycine 155 with serine.
Molecular consequence: missense variant.
Genome position (GRCh38, 1-based): chr20:10,299,323, G>A. VCF-style: chr20-10299323-G-A. GRCh37 (hg19) VCF-style: chr20-10279971-G-A.
Other names: c.463G>A, p.Gly155Ser (NM_001322902.2, NM_001322903.2, NM_001322904.2 and 7 more transcripts); short protein forms G155S.
Identifiers: ClinVar variation 1392622 (VCV001392622.6), dbSNP rs2064181965, ClinGen allele CA408266574.
Genomic context (GRCh38, chr20:10,299,323, plus strand): 5'-CCCAGGGTAACAAATGATGCCCGAGAAAATGAAATGGATGAAAACCTAGAGCAGGTGAGC[G>A]GCATCATCGGGAACCTCCGTCACATGGCCCTGGATATGGGCAATGAGATCGATACACAGA-3'
Protein context (NP_570824.1, residues 145-165): EMDENLEQVS[Gly155Ser]IIGNLRHMAL

ClinVar aggregate classification (germline): Uncertain significance (1 of 4 stars; one submission).

Conditions:
Congenital myasthenic syndrome 18. Also called: MYASTHENIC SYNDROME, CONGENITAL, 18, WITH INTELLECTUAL DISABILITY AND ATAXIA. Identifiers: Orphanet 590, MedGen C4225364, MONDO:0014590, OMIM 616330.

Allele frequency attached by ClinVar (database versions not stated): gnomAD exomes below 0.00001; gnomAD 0.00001.
gnomAD v4.1: 3 of 1,613,896 alleles (0.00019%); highest among the groups gnomAD compares: Admixed American, 0.0017%; no homozygotes.

Submission:

Labcorp Genetics (formerly Invitae), Labcorp
Classification: Uncertain significance for Congenital myasthenic syndrome 18. Last evaluated: 2023-02-21. Review status: criteria provided, single submitter. Criteria: Invitae Variant Classification Sherloc (09022015). Collection method: clinical testing. Allele origin: germline.
Comment: In summary, the available evidence is currently insufficient to determine the role of this variant in disease. Therefore, it has been classified as a Variant of Uncertain Significance. An algorithm developed to predict the effect of missense changes on protein structure and function (PolyPhen-2) suggests that this variant is likely to be tolerated. ClinVar contains an entry for this variant (Variation ID: 1392622). This missense change has been observed in individual(s) with epileptic encephalopathy with cerebellar atrophy (Invitae). This variant is not present in population databases (gnomAD no frequency). This sequence change replaces glycine, which is neutral and non-polar, with serine, which is neutral and polar, at codon 155 of the SNAP25 protein (p.Gly155Ser).